The following is an entry in ClinVar:

ClinVar aggregate classification (germline): Likely benign (1 of 4 stars; one submission).

gnomAD v4.1: 131 of 1,612,854 alleles (0.0081%); highest among the groups gnomAD compares: African/African-American, 0.084%; 1 homozygote.

Submission:

Mayo Clinic Laboratories, Mayo Clinic
Classification: Likely benign. Last evaluated: 2025-10-19. Review status: criteria provided, single submitter. Criteria: ACMG Guidelines, 2015. Collection method: clinical testing. Allele origin: germline. Observed: 1 variant allele.
Comment: BS2, BP4, BP7

NM_001164760.2(PRKAR1B):c.770-6C>T

Gene: PRKAR1B (protein kinase cAMP-dependent type I regulatory subunit beta; minus strand). Cytogenetic location: 7p22.3.
Variant type: single nucleotide variant.
Coding change: c.770-6C>T on transcript NM_001164760.2 (MANE Select); 6 bases into the intron before coding-DNA position 770, C replaced by T.
Molecular consequence: intron variant.
Genome position (GRCh38, 1-based): chr7:579,383, G>A on the plus strand (C>T on the coding strand, the complement: PRKAR1B is on the minus strand). VCF-style: chr7-579383-G-A. GRCh37 (hg19) VCF-style: chr7-619020-G-A.
Other names: p.?; c.770-6C>T (NM_001164759.1, NM_001164758.2, NM_001164761.2 and 2 more transcripts).
Identifiers: ClinVar variation 4683247 (VCV004683247.1).